The following is an entry in ClinVar:

NM_001384950.1(NLRC5):c.2418-213C>T

Gene: NLRC5 (NLR family CARD domain containing 5; plus strand). Cytogenetic location: 16q13.
Variant type: single nucleotide variant.
Coding change: c.2418-213C>T on transcript NM_001384950.1 (MANE Select); 213 bases into the intron before coding-DNA position 2418, C replaced by T.
Molecular consequence: intron variant.
Genome position (GRCh38, 1-based): chr16:57,031,191, C>T. VCF-style: chr16-57031191-C-T. GRCh37 (hg19) VCF-style: chr16-57065103-C-T.
Other names: c.2418-213C>T (NM_001384954.1, NM_001384953.1, NM_001384957.1 and 19 more transcripts); c.2334-213C>T (NM_001384960.1, NM_001384965.1); c.2247-213C>T (NM_001384972.1).
Identifiers: ClinVar variation 103161 (VCV000103161.2), dbSNP rs199475979, ClinGen allele CA230205.

ClinVar aggregate classification (germline): not provided (0 of 4 stars; one submission).

Allele frequency attached by ClinVar (database versions not stated): 1000 Genomes Project 30x 0.00031; gnomAD 0.00039 and 0.00041; 1000 Genomes Project 0.00040; TOPMed 0.00056.
gnomAD v4.1: 58 of 152,002 alleles (0.038%); highest among the groups gnomAD compares: African/African-American, 0.14%; no homozygotes.

Submission:

Human Evolutionary Genetics, Institut Pasteur
No classification provided. Review status: no classification provided. Collection method: not provided. Allele origin: germline.
ClinVar note: Converted during submission from untested to not provided.